The following is an entry in ClinVar:

NM_001283009.2(RTEL1):c.3500-1G>A

Genes: RTEL1-TNFRSF6B (RTEL1-TNFRSF6B readthrough (NMD candidate); plus strand), RTEL1 (regulator of telomere elongation helicase 1; plus strand). Cytogenetic location: 20q13.33.
Variant type: single nucleotide variant.
Coding change: c.3500-1G>A on transcript NM_001283009.2 (MANE Select); the canonical splice acceptor site of the intron before coding-DNA position 3500, G replaced by A.
Molecular consequence: splice acceptor variant.
Genome position (GRCh38, 1-based): chr20:63,695,327, G>A. VCF-style: chr20-63695327-G-A. GRCh37 (hg19) VCF-style: chr20-62326680-G-A.
Other names: c.2831-1G>A (NM_001283010.1); c.3572-1G>A (NM_032957.5, NM_032957.4); c.3500-1G>A (NM_016434.4).
Identifiers: ClinVar variation 1492218 (VCV001492218.16), dbSNP rs1205986855, ClinGen allele CA409685559.

ClinVar aggregate classification (germline): Likely pathogenic. Review status: criteria provided, multiple submitters, no conflicts (2 of 4 stars). 3 submissions from 3 submitters: Likely pathogenic (2). 1 of the submissions does not count toward it. Last evaluated 2024-03-23.

Conditions:
RTEL1-related disorder. Also called: RTEL1-related disorders; RTEL1-related condition.
Pulmonary fibrosis and/or bone marrow failure, Telomere-related, 3. Also called: PULMONARY FIBROSIS AND/OR BONE MARROW FAILURE SYNDROME, TELOMERE-RELATED, 3. Identifiers: Orphanet 2032, MedGen C4225346, MONDO:0014613, OMIM 616373.
Dyskeratosis congenita, autosomal recessive 5 (DKCB5). Identifiers: MedGen C3554656, MONDO:0014076, OMIM 615190.

Allele frequency attached by ClinVar (database versions not stated): gnomAD exomes below 0.00001 and 0.00001.
gnomAD v4.1: 4 of 1,562,772 alleles (0.00026%); highest among the groups gnomAD compares: South Asian, 0.0048%; no homozygotes.

Submissions (3):

Baylor Genetics
Classification: Likely pathogenic for Dyskeratosis congenita, autosomal recessive 5. Last evaluated: 2024-03-23. Review status: criteria provided, single submitter. Criteria: ACMG Guidelines, 2015. Collection method: clinical testing. Allele origin: unknown.

Labcorp Genetics (formerly Invitae), Labcorp
Classification: Likely pathogenic for Dyskeratosis congenita, autosomal recessive 5; Pulmonary fibrosis and/or bone marrow failure, Telomere-related, 3. Last evaluated: 2024-03-18. Review status: criteria provided, single submitter. Criteria: Invitae Variant Classification Sherloc (09022015). Collection method: clinical testing. Allele origin: germline.
Comment: This sequence change affects an acceptor splice site in intron 33 of the RTEL1 gene. It is expected to disrupt RNA splicing. Variants that disrupt the donor or acceptor splice site typically lead to a loss of protein function (PMID: 16199547), and loss-of-function variants in RTEL1 are known to be pathogenic (PMID: 23453664, 23959892, 25607374). This variant is present in population databases (no rsID available, gnomAD 0.004%). This variant has not been reported in the literature in individuals affected with RTEL1-related conditions. ClinVar contains an entry for this variant (Variation ID: 1492218). Algorithms developed to predict the effect of sequence changes on RNA splicing suggest that this variant may disrupt the consensus splice site. In summary, the currently available evidence indicates that the variant is pathogenic, but additional data are needed to prove that conclusively. Therefore, this variant has been classified as Likely Pathogenic.

PreventionGenetics, part of Exact Sciences
Classification: Likely pathogenic for RTEL1-related condition. Last evaluated: 2024-07-09. Review status: no assertion criteria provided. Collection method: clinical testing. Allele origin: germline. Not counted in ClinVar's aggregate classification.
Comment: The RTEL1 c.3572-1G>A variant is predicted to disrupt the AG splice acceptor site and interfere with normal splicing. To our knowledge, this variant has not been reported in the literature. This variant is reported in 0.0044% of alleles in individuals of South Asian descent in gnomAD. Variants that disrupt the consensus splice acceptor site in RTEL1 are expected to be pathogenic. This variant is interpreted as likely pathogenic.

Literature cited by the submitters: PubMed 16199547 (cited by Labcorp Genetics (formerly Invitae), Labcorp); PubMed 23453664 (cited by Labcorp Genetics (formerly Invitae), Labcorp); PubMed 23959892 (cited by Labcorp Genetics (formerly Invitae), Labcorp); PubMed 25607374 (cited by Labcorp Genetics (formerly Invitae), Labcorp).